The following is an entry in ClinVar:

NM_032444.4(SLX4):c.4390A>G (p.Ser1464Gly)

Gene: SLX4 (SLX4 structure-specific endonuclease subunit; minus strand). Cytogenetic location: 16p13.3.
Variant type: single nucleotide variant.
Coding change: c.4390A>G on transcript NM_032444.4 (MANE Select); coding-DNA position 4390, A replaced by G.
Protein change: p.Ser1464Gly; replaces serine 1464 with glycine.
Molecular consequence: missense variant.
Genome position (GRCh38, 1-based): chr16:3,589,248, T>C on the plus strand (A>G on the coding strand, the complement: SLX4 is on the minus strand). VCF-style: chr16-3589248-T-C. GRCh37 (hg19) VCF-style: chr16-3639249-T-C.
Other names: c.4390A>G (NM_032444.2); short protein forms S1464G.
Identifiers: ClinVar variation 1017644 (VCV001017644.10), dbSNP rs750635051, ClinGen allele CA7865660.

ClinVar aggregate classification (germline): Uncertain significance. Review status: criteria provided, multiple submitters, no conflicts (2 of 4 stars). 3 submissions from 3 submitters: Uncertain significance (3). Last evaluated 2025-05-15.

Conditions:
Fanconi anemia (FA). Also called: Fanconi's anemia. Identifiers: Orphanet 84, MedGen C0015625, MeSH D005199, MONDO:0019391.
Fanconi anemia complementation group P. Also called: SLX4-Related Fanconi Anemia. Identifiers: Orphanet 84, MedGen C3469542, MONDO:0013499, OMIM 613951.
Inborn genetic diseases. Identifiers: MedGen C0950123, MeSH D030342.

Allele frequency attached by ClinVar (database versions not stated): TOPMed 0.00003; gnomAD exomes 0.00004; ExAC 0.00005.
gnomAD v4.1: 7 of 1,607,004 alleles (0.00044%); highest among the groups gnomAD compares: East Asian, 0.016%; no homozygotes.

Submissions (3):

Ambry Genetics
Classification: Uncertain significance for Inborn genetic diseases. Last evaluated: 2025-05-15. Review status: criteria provided, single submitter. Criteria: Ambry Variant Classification Scheme 2023. Collection method: clinical testing. Allele origin: germline.

Labcorp Genetics (formerly Invitae), Labcorp
Classification: Uncertain significance for Fanconi anemia. Last evaluated: 2024-12-19. Review status: criteria provided, single submitter. Criteria: Invitae Variant Classification Sherloc (09022015). Collection method: clinical testing. Allele origin: germline.
Comment: This sequence change replaces serine, which is neutral and polar, with glycine, which is neutral and non-polar, at codon 1464 of the SLX4 protein (p.Ser1464Gly). This variant is present in population databases (rs750635051, gnomAD 0.05%). This variant has not been reported in the literature in individuals affected with SLX4-related conditions. ClinVar contains an entry for this variant (Variation ID: 1017644). An algorithm developed to predict the effect of missense changes on protein structure and function outputs the following: PolyPhen-2: "Benign". The glycine amino acid residue is found in multiple mammalian species, which suggests that this missense change does not adversely affect protein function. In summary, the available evidence is currently insufficient to determine the role of this variant in disease. Therefore, it has been classified as a Variant of Uncertain Significance.

Fulgent Genetics
Classification: Uncertain significance for Fanconi anemia complementation group P. Last evaluated: 2021-12-26. Review status: criteria provided, single submitter. Criteria: ACMG Guidelines, 2015. Collection method: clinical testing. Allele origin: unknown.